The following is an entry in ClinVar:

NM_015335.5(MED13L):c.941G>T (p.Ser314Ile)

Gene: MED13L (mediator complex subunit 13L; minus strand). Cytogenetic location: 12q24.21.
Variant type: single nucleotide variant.
Coding change: c.941G>T on transcript NM_015335.5 (MANE Select); coding-DNA position 941, G replaced by T.
Protein change: p.Ser314Ile; replaces serine 314 with isoleucine.
Molecular consequence: missense variant.
Genome position (GRCh38, 1-based): chr12:116,019,292, C>A on the plus strand (G>T on the coding strand, the complement: MED13L is on the minus strand). VCF-style: chr12-116019292-C-A. GRCh37 (hg19) VCF-style: chr12-116457097-C-A.
Other names: short protein forms S314I.
Identifiers: ClinVar variation 2575534 (VCV002575534.1), dbSNP rs970819884, ClinGen allele CA386899318.

ClinVar aggregate classification (germline): Uncertain significance (1 of 4 stars; one submission).

Submission:

GeneDx
Classification: Uncertain significance. Last evaluated: 2023-02-10. Review status: criteria provided, single submitter. Criteria: GeneDx Variant Classification Process June 2021. Collection method: clinical testing. Allele origin: germline. Affected: yes.
Comment: Not observed at significant frequency in large population cohorts (gnomAD); In silico analysis supports that this missense variant does not alter protein structure/function; Has not been previously published as pathogenic or benign to our knowledge